The following is an entry in ClinVar:

NM_020937.4(FANCM):c.1050+4G>C

Gene: FANCM (FA complementation group M; plus strand). Cytogenetic location: 14q21.2.
Variant type: single nucleotide variant.
Coding change: c.1050+4G>C on transcript NM_020937.4 (MANE Select); 4 bases into the intron after coding-DNA position 1050, G replaced by C.
Molecular consequence: intron variant.
Genome position (GRCh38, 1-based): chr14:45,151,532, G>C. VCF-style: chr14-45151532-G-C. GRCh37 (hg19) VCF-style: chr14-45620735-G-C.
Other names: c.972+4G>C (NM_001308133.2); c.1050+4G>C (NM_001308134.2).
Identifiers: ClinVar variation 3725827 (VCV003725827.2).

ClinVar aggregate classification (germline): Uncertain significance (1 of 4 stars; one submission).

Conditions:
Fanconi anemia (FA). Also called: Fanconi's anemia. Identifiers: Orphanet 84, MedGen C0015625, MeSH D005199, MONDO:0019391.

Submission:

Labcorp Genetics (formerly Invitae), Labcorp
Classification: Uncertain significance for Fanconi anemia. Last evaluated: 2024-11-22. Review status: criteria provided, single submitter. Criteria: Invitae Variant Classification Sherloc (09022015). Collection method: clinical testing. Allele origin: germline.
Comment: This sequence change falls in intron 5 of the FANCM gene. It does not directly change the encoded amino acid sequence of the FANCM protein. It affects a nucleotide within the consensus splice site. This variant is not present in population databases (gnomAD no frequency). This variant has not been reported in the literature in individuals affected with FANCM-related conditions. Variants that disrupt the consensus splice site are a relatively common cause of aberrant splicing (PMID: 17576681, 9536098). Algorithms developed to predict the effect of sequence changes on RNA splicing suggest that this variant is not likely to affect RNA splicing. In summary, the available evidence is currently insufficient to determine the role of this variant in disease. Therefore, it has been classified as a Variant of Uncertain Significance.

Literature cited by the submitters: PubMed 17576681; PubMed 9536098.